The following is an entry in ClinVar:

NM_032447.5(FBN3):c.8366C>A (p.Pro2789Gln)

Gene: FBN3 (fibrillin 3; minus strand). Cytogenetic location: 19p13.2.
Variant type: single nucleotide variant.
Coding change: c.8366C>A on transcript NM_032447.5 (MANE Select); coding-DNA position 8366, C replaced by A.
Protein change: p.Pro2789Gln; replaces proline 2789 with glutamine.
Molecular consequence: missense variant.
Genome position (GRCh38, 1-based): chr19:8,065,983, G>T on the plus strand (C>A on the coding strand, the complement: FBN3 is on the minus strand). VCF-style: chr19-8065983-G-T. GRCh37 (hg19) VCF-style: chr19-8130867-G-T.
Other names: c.8366C>A, p.Pro2789Gln (NM_001321431.2); c.8366C>A (NM_001321431.1); short protein forms P2789Q.
Identifiers: ClinVar variation 729472 (VCV000729472.34), dbSNP rs35794930, ClinGen allele CA9150551.

ClinVar aggregate classification (germline): Likely benign. Review status: criteria provided, multiple submitters, no conflicts (2 of 4 stars). 4 submissions from 4 submitters: Likely benign (3). 1 of the submissions does not count toward it. Last evaluated 2026-01-18.

Conditions:
FBN3-related disorder. Also called: FBN3-related condition.

Allele frequency attached by ClinVar (database versions not stated): 1000 Genomes Project 30x 0.00156; gnomAD 0.00212 and 0.00218; TOPMed 0.00261; ESP Exome Variant Server 0.00285; ExAC 0.00300; 1000 Genomes Project 0.00140.
gnomAD v4.1: 4,822 of 1,612,228 alleles (0.3%); highest among the groups gnomAD compares: Middle Eastern, 0.64%; 17 homozygotes.

Submissions (4):

Labcorp Genetics (formerly Invitae), Labcorp
Classification: Likely benign. Last evaluated: 2026-01-18. Review status: criteria provided, single submitter. Criteria: Invitae Variant Classification Sherloc (09022015). Collection method: clinical testing. Allele origin: germline.

CeGaT Center for Human Genetics Tuebingen
Classification: Likely benign. Last evaluated: 2024-09-01. Review status: criteria provided, single submitter. Criteria: CeGaT Center For Human Genetics Tuebingen Variant Classification Criteria Version 2. Collection method: clinical testing. Allele origin: germline. Affected: yes. Observed: 2 variant alleles.
Comment: FBN3: BP4, BS2

Breakthrough Genomics
Classification: Likely benign. Review status: criteria provided, single submitter. Criteria: ACMG Guidelines, 2015. Collection method: not provided. Allele origin: germline. Inheritance: Unknown mechanism. Affected: yes.

PreventionGenetics, part of Exact Sciences
Classification: Benign for FBN3-related condition. Last evaluated: 2019-04-01. Review status: no assertion criteria provided. Collection method: clinical testing. Allele origin: germline. Not counted in ClinVar's aggregate classification.
Comment: This variant is classified as benign based on ACMG/AMP sequence variant interpretation guidelines (Richards et al. 2015 PMID: 25741868, with internal and published modifications).